The following is an entry in ClinVar:

NM_138694.4(PKHD1):c.7351-2A>G

Gene: PKHD1 (PKHD1 ciliary IPT domain containing fibrocystin/polyductin; minus strand). Cytogenetic location: 6p12.2.
Variant type: single nucleotide variant.
Coding change: c.7351-2A>G on transcript NM_138694.4 (MANE Select); the canonical splice acceptor site of the intron before coding-DNA position 7351, A replaced by G.
Molecular consequence: splice acceptor variant.
Genome position (GRCh38, 1-based): chr6:51,870,641, T>C on the plus strand (A>G on the coding strand, the complement: PKHD1 is on the minus strand). VCF-style: chr6-51870641-T-C. GRCh37 (hg19) VCF-style: chr6-51735439-T-C.
Other names: c.7351-2A>G (NM_170724.3).
Identifiers: ClinVar variation 4816742 (VCV004816742.1).

ClinVar aggregate classification (germline): Likely pathogenic (1 of 4 stars; one submission).

Conditions:
Autosomal recessive polycystic kidney disease (ARPKD). Also called: AR polycystic kidney disease. Identifiers: Orphanet 731, Orphanet 8378, MedGen C0085548, MeSH D017044, MONDO:0009889.

Submission:

Natera, Inc.
Classification: Likely pathogenic for Autosomal recessive polycystic kidney disease. Last evaluated: 2024-07-05. Review status: criteria provided, single submitter. Criteria: Natera Variant Classification Schema (03/2026). Collection method: clinical testing. Allele origin: germline.
Comment: The c.7351-2A>G variant in PKHD1 is a canonical splice acceptor site variant predicted to affect pre-mRNA splicing, which may result in an abnormal transcript and altered protein product. This variant is expected to result in nonsense mediated decay, truncation, or a dysfunctional protein product. This variant is rare in the general population with a frequency below the threshold expected for the associated phenotype(s). Given the available evidence, this variant is classified as Likely Pathogenic.